The following is an entry in ClinVar:

ClinVar aggregate classification (germline): Benign (1 of 4 stars; one submission).

Conditions:
Retinitis pigmentosa (RP). Identifiers: Orphanet 791, MedGen C0035334, MeSH D012174, MONDO:0019200, OMIM 268000. Inheritance: Autosomal dominant, autosomal recessive and X linked inheritance.

Allele frequency attached by ClinVar (database versions not stated): gnomAD 0.00462 and 0.00442; TOPMed 0.00477; 1000 Genomes Project 0.00559; 1000 Genomes Project 30x 0.00593; gnomAD exomes 0.00048.
gnomAD v4.1: 1,144 of 1,073,434 alleles (0.11%); highest among the groups gnomAD compares: African/African-American, 1.5%; 9 homozygotes.

Submission:

Illumina Laboratory Services, Illumina
Classification: Benign for Retinitis pigmentosa. Last evaluated: 2018-01-13. Review status: criteria provided, single submitter. Criteria: ICSL Variant Classification Criteria 13 December 2019. Collection method: clinical testing. Allele origin: germline.
Comment: This variant was observed in the ICSL laboratory as part of a predisposition screen in an ostensibly healthy population. It had not been previously curated by ICSL or reported in the Human Gene Mutation Database (HGMD: prior to June 1st, 2018), and was therefore a candidate for classification through an automated scoring system. Utilizing variant allele frequency, disease prevalence and penetrance estimates, and inheritance mode, an automated score was calculated to assess if this variant is too frequent to cause the disease. Based on the score and internal cut-off values, a variant classified as benign is not then subjected to further curation. The score for this variant resulted in a classification of benign for this disease.

NM_002098.6(GUCA1B):c.-73G>A

Gene: GUCA1B (guanylate cyclase activator 1B; minus strand). Cytogenetic location: 6p21.1.
Variant type: single nucleotide variant.
Coding change: c.-73G>A on transcript NM_002098.6 (MANE Select); 73 bases upstream of the start codon, G replaced by A.
Molecular consequence: 5 prime UTR variant.
Genome position (GRCh38, 1-based): chr6:42,194,893, C>T on the plus strand (G>A on the coding strand, the complement: GUCA1B is on the minus strand). VCF-style: chr6-42194893-C-T. GRCh37 (hg19) VCF-style: chr6-42162631-C-T.
Identifiers: ClinVar variation 356741 (VCV000356741.5), dbSNP rs7752629, ClinGen allele CA10626741.